The following is an entry in ClinVar:

ClinVar aggregate classification (germline): Pathogenic (1 of 4 stars; one submission).

Conditions:
Epilepsy, familial focal, with variable foci 3 (FFEVF3). Identifiers: MedGen C4310708, MONDO:0014925, OMIM 617118.

gnomAD v4.1: 1 of 1,562,524 alleles (0.000064%); highest among the groups gnomAD compares: Admixed American, 0.0019%; no homozygotes.

Submission:

Labcorp Genetics (formerly Invitae), Labcorp
Classification: Pathogenic for Epilepsy, familial focal, with variable foci 3. Last evaluated: 2022-03-23. Review status: criteria provided, single submitter. Criteria: Invitae Variant Classification Sherloc (09022015). Collection method: clinical testing. Allele origin: germline.
Comment: For these reasons, this variant has been classified as Pathogenic. This variant has not been reported in the literature in individuals affected with NPRL3-related conditions. This variant is not present in population databases (gnomAD no frequency). This sequence change creates a premature translational stop signal (p.Glu249*) in the NPRL3 gene. It is expected to result in an absent or disrupted protein product. Loss-of-function variants in NPRL3 are known to be pathogenic (PMID: 26285051, 26505888).

Literature cited by the submitters: PubMed 26285051; PubMed 26505888.

NM_001077350.3(NPRL3):c.745G>T (p.Glu249Ter)

Genes: HBA-LCR (alpha-globin locus control region; plus strand), NPRL3 (NPR3 like, GATOR1 complex subunit; minus strand). Cytogenetic location: 16p13.3.
Variant type: single nucleotide variant.
Coding change: c.745G>T on transcript NM_001077350.3 (MANE Select); coding-DNA position 745, G replaced by T.
Protein change: p.Glu249Ter; replaces glutamic acid 249 with a stop codon.
Molecular consequence: nonsense.
Genome position (GRCh38, 1-based): chr16:100,394, C>A on the plus strand (G>T on the coding strand, the complement: NPRL3 is on the minus strand). VCF-style: chr16-100394-C-A. GRCh37 (hg19) VCF-style: chr16-150392-C-A.
Other names: c.208G>T, p.Glu70Ter (NM_001039476.3); c.511G>T, p.Glu171Ter (NM_001243247.2); c.670G>T, p.Glu224Ter (NM_001243248.2, NM_001243249.2); short protein forms E224*, E249*, E70*, E171*.
Identifiers: ClinVar variation 1410974 (VCV001410974.6), dbSNP rs200041907, ClinGen allele CA393990703.